The following is an entry in ClinVar:

NM_019842.4(KCNQ5):c.288C>G (p.Tyr96Ter)

Genes: KCNQ5 (potassium voltage-gated channel subfamily Q member 5; plus strand), KCNQ5-DT (KCNQ5 divergent transcript; minus strand). Cytogenetic location: 6q13.
Variant type: single nucleotide variant.
Coding change: c.288C>G on transcript NM_019842.4 (MANE Select); coding-DNA position 288, C replaced by G.
Protein change: p.Tyr96Ter; replaces tyrosine 96 with a stop codon.
Molecular consequence: nonsense.
Genome position (GRCh38, 1-based): chr6:72,622,477, C>G. VCF-style: chr6-72622477-C-G. GRCh37 (hg19) VCF-style: chr6-73332205-C-G.
Other names: c.288C>G, p.Tyr96Ter (NM_001160130.2, NM_001160132.2, NM_001160133.2 and 1 more transcripts); short protein forms Y96*.
Identifiers: ClinVar variation 5008225 (VCV005008225.1).

ClinVar aggregate classification (germline): Uncertain significance (1 of 4 stars; one submission).

Submission:

GeneDx
Classification: Uncertain significance. Last evaluated: 2026-03-12. Review status: criteria provided, single submitter. Criteria: GeneDx Variant Classification Process June 2021. Collection method: clinical testing. Allele origin: germline.
Comment: Not observed at significant frequency in large population cohorts (gnomAD); Nonsense variant predicted to result in protein truncation or nonsense mediated decay in a gene or region of a gene for which loss of function is not a well-established mechanism of disease; Has not been previously published as pathogenic or benign to our knowledge